The following is an entry in ClinVar:

ClinVar aggregate classification (germline): Uncertain significance (1 of 4 stars; one submission).

Conditions:
Inborn genetic diseases. Identifiers: MedGen C0950123, MeSH D030342.

gnomAD v4.1: 6 of 1,614,062 alleles (0.00037%); highest among the groups gnomAD compares: Non-Finnish European, 0.00051%; no homozygotes.

Submission:

Ambry Genetics
Classification: Uncertain significance for Inborn genetic diseases. Last evaluated: 2024-11-24. Review status: criteria provided, single submitter. Criteria: Ambry Variant Classification Scheme 2023. Collection method: clinical testing. Allele origin: germline.
Comment: The p.P711A variant (also known as c.2131C>G), located in coding exon 8 of the MECOM gene, results from a C to G substitution at nucleotide position 2131. The proline at codon 711 is replaced by alanine, an amino acid with highly similar properties. This amino acid position is conserved. In addition, this alteration is predicted to be tolerated by in silico analysis. Based on the available evidence, the clinical significance of this variant remains unclear.

NM_004991.4(MECOM):c.2131C>G (p.Pro711Ala)

Gene: MECOM (MDS1 and EVI1 complex locus; minus strand). Cytogenetic location: 3q26.2.
Variant type: single nucleotide variant.
Coding change: c.2131C>G on transcript NM_004991.4 (MANE Select); coding-DNA position 2131, C replaced by G.
Protein change: p.Pro711Ala; replaces proline 711 with alanine.
Molecular consequence: missense variant.
Genome position (GRCh38, 1-based): chr3:169,115,741, G>C on the plus strand (C>G on the coding strand, the complement: MECOM is on the minus strand). VCF-style: chr3-169115741-G-C. GRCh37 (hg19) VCF-style: chr3-168833529-G-C.
Other names: c.1762C>G, p.Pro588Ala (NM_001105077.4); c.1567C>G, p.Pro523Ala (NM_001105078.4, NM_001164000.2, NM_001205194.2 and 4 more transcripts); c.1570C>G, p.Pro524Ala (NM_001163999.2, NM_001366467.2, NM_001366468.2 and 1 more transcripts); c.2131C>G, p.Pro711Ala (NM_001366466.2); c.1159C>G, p.Pro387Ala (NM_001366473.2); c.595C>G, p.Pro199Ala (NM_001366474.2); short protein forms P524A, P588A, P387A, P523A, P711A, P199A.
Identifiers: ClinVar variation 3394303 (VCV003394303.1).